The following is an entry in ClinVar:

ClinVar aggregate classification (germline): Benign/Likely benign. Review status: criteria provided, multiple submitters, no conflicts (2 of 4 stars). 4 submissions from 4 submitters: Benign (1); Likely benign (3). Last evaluated 2026-02-03.

Conditions:
Amelocerebrohypohidrotic syndrome (KTZS). Also called: KOHLSCHUTTER SYNDROME; EPILEPSY AND YELLOW TEETH; EPILEPSY, DEMENTIA, AND AMELOGENESIS IMPERFECTA; Kohlschutter's syndrome. Identifiers: Orphanet 1946, MedGen C0406740, MONDO:0009185, OMIM 226750.

Allele frequency attached by ClinVar (database versions not stated): gnomAD 0.00137; 1000 Genomes Project 0.00160; gnomAD exomes 0.00193; TOPMed 0.00193; 1000 Genomes Project 30x 0.00203; ExAC 0.00307.

Submissions (16):

Labcorp Genetics (formerly Invitae), Labcorp
Classification: Benign for Amelocerebrohypohidrotic syndrome. Last evaluated: 2026-02-03. Review status: criteria provided, single submitter. Criteria: Invitae Variant Classification Sherloc (09022015). Collection method: clinical testing. Allele origin: germline.

Blueprint Genetics
Classification: Likely benign. Last evaluated: 2024-11-27. Review status: criteria provided, single submitter. Criteria: ACMG Guidelines, 2015. Collection method: clinical testing. Allele origin: germline.

Illumina Laboratory Services, Illumina
Classification: Likely benign for Kohlschutter syndrome. Last evaluated: 2018-01-12. Review status: criteria provided, single submitter. Criteria: ICSL Variant Classification Criteria 13 December 2019. Collection method: clinical testing. Allele origin: germline.
Comment: This variant was observed in the ICSL laboratory as part of a predisposition screen in an ostensibly healthy population. It had not been previously curated by ICSL or reported in the Human Gene Mutation Database (HGMD: prior to June 1st, 2018), and was therefore a candidate for classification through an automated scoring system. Utilizing variant allele frequency, disease prevalence and penetrance estimates, and inheritance mode, an automated score was calculated to assess if this variant is too frequent to cause the disease. Based on the score and internal cut-off values, a variant classified as likely benign is not then subjected to further curation. The score for this variant resulted in a classification of likely benign for this disease.

Breakthrough Genomics
Classification: Likely benign. Review status: criteria provided, single submitter. Criteria: ACMG Guidelines, 2015. Collection method: not provided. Allele origin: germline. Inheritance: Autosomal recessive inheritance. Affected: yes.

Dr. Peter K. Rogan Lab, Western University
No classification provided (evidence only). Condition: Familial cancer of breast. Review status: no classification provided. Collection method: in vitro. Allele origin: not applicable. Functional consequence: retained intron. Not counted in ClinVar's aggregate classification.

Dr. Peter K. Rogan Lab, Western University
No classification provided (evidence only). Condition: Familial cancer of breast. Review status: no classification provided. Collection method: in vitro. Allele origin: not applicable. Functional consequence: retained intron. Not counted in ClinVar's aggregate classification.

Dr. Peter K. Rogan Lab, Western University
No classification provided (evidence only). Condition: Familial cancer of breast. Review status: no classification provided. Collection method: in vitro. Allele origin: not applicable. Functional consequence: retained intron. Not counted in ClinVar's aggregate classification.

Dr. Peter K. Rogan Lab, Western University
No classification provided (evidence only). Condition: Familial cancer of breast. Review status: no classification provided. Collection method: in vitro. Allele origin: not applicable. Functional consequence: retained intron. Not counted in ClinVar's aggregate classification.

Dr. Peter K. Rogan Lab, Western University
No classification provided (evidence only). Condition: Thyroid cancer, nonmedullary, 1. Review status: no classification provided. Collection method: in vitro. Allele origin: not applicable. Functional consequence: retained intron. Not counted in ClinVar's aggregate classification.

Dr. Peter K. Rogan Lab, Western University
No classification provided (evidence only). Condition: Cervical cancer. Review status: no classification provided. Collection method: in vitro. Allele origin: not applicable. Functional consequence: retained intron. Not counted in ClinVar's aggregate classification.

Dr. Peter K. Rogan Lab, Western University
No classification provided (evidence only). Condition: Cervical cancer. Review status: no classification provided. Collection method: in vitro. Allele origin: not applicable. Functional consequence: retained intron. Not counted in ClinVar's aggregate classification.

Dr. Peter K. Rogan Lab, Western University
No classification provided (evidence only). Condition: Sarcoma. Review status: no classification provided. Collection method: in vitro. Allele origin: not applicable. Functional consequence: retained intron. Not counted in ClinVar's aggregate classification.

Dr. Peter K. Rogan Lab, Western University
No classification provided (evidence only). Condition: Sarcoma. Review status: no classification provided. Collection method: in vitro. Allele origin: not applicable. Functional consequence: retained intron. Not counted in ClinVar's aggregate classification.

Dr. Peter K. Rogan Lab, Western University
No classification provided (evidence only). Condition: Malignant tumor of esophagus. Review status: no classification provided. Collection method: in vitro. Allele origin: not applicable. Functional consequence: retained intron. Not counted in ClinVar's aggregate classification.

Dr. Peter K. Rogan Lab, Western University
No classification provided (evidence only). Condition: Malignant tumor of esophagus. Review status: no classification provided. Collection method: in vitro. Allele origin: not applicable. Functional consequence: retained intron. Not counted in ClinVar's aggregate classification.

Dr. Peter K. Rogan Lab, Western University
No classification provided (evidence only). Condition: Lymphoma. Review status: no classification provided. Collection method: in vitro. Allele origin: not applicable. Functional consequence: retained intron. Not counted in ClinVar's aggregate classification.

NM_024589.3(ROGDI):c.118-13C>G

Gene: ROGDI (rogdi atypical leucine zipper; minus strand). Cytogenetic location: 16p13.3.
Variant type: single nucleotide variant.
Coding change: c.118-13C>G on transcript NM_024589.3 (MANE Select); 13 bases into the intron before coding-DNA position 118, C replaced by G.
Molecular consequence: intron variant.
Genome position (GRCh38, 1-based): chr16:4,801,598, G>C on the plus strand (C>G on the coding strand, the complement: ROGDI is on the minus strand). VCF-style: chr16-4801598-G-C. GRCh37 (hg19) VCF-style: chr16-4851599-G-C.
Identifiers: ClinVar variation 319407 (VCV000319407.15), dbSNP rs201794245, ClinGen allele CA7882957.